The following is an entry in ClinVar:

NM_003764.4(STX11):c.83C>T (p.Ser28Leu)

Gene: STX11 (syntaxin 11; plus strand). Cytogenetic location: 6q24.2.
Variant type: single nucleotide variant.
Coding change: c.83C>T on transcript NM_003764.4 (MANE Select); coding-DNA position 83, C replaced by T.
Protein change: p.Ser28Leu; replaces serine 28 with leucine.
Molecular consequence: missense variant.
Genome position (GRCh38, 1-based): chr6:144,186,710, C>T. VCF-style: chr6-144186710-C-T. GRCh37 (hg19) VCF-style: chr6-144507847-C-T.
Other names: short protein forms S28L.
Identifiers: ClinVar variation 732962 (VCV000732962.14), dbSNP rs143547259, ClinGen allele CA4031612.

ClinVar aggregate classification (germline): Likely benign. Review status: criteria provided, multiple submitters, no conflicts (2 of 4 stars). 4 submissions from 4 submitters: Likely benign (3). 1 of the submissions does not count toward it. Last evaluated 2026-01-28.

Conditions:
Familial hemophagocytic lymphohistiocytosis 4 (FHL4). Also called: STX11-Related Familial Hemophagocytic Lymphohistiocytosis (STX11-fHLH). Identifiers: Orphanet 540, MedGen C1863728, MONDO:0011336, OMIM 603552.
STX11-related disorder. Also called: STX11-related condition.

Allele frequency attached by ClinVar (database versions not stated): 1000 Genomes Project 0.00060; 1000 Genomes Project 30x 0.00078; gnomAD 0.00078 and 0.00082; TOPMed 0.00085; ESP Exome Variant Server 0.00115.
gnomAD v4.1: 262 of 1,614,196 alleles (0.016%); highest among the groups gnomAD compares: African/African-American, 0.31%; no homozygotes.

Submissions (4):

Labcorp Genetics (formerly Invitae), Labcorp
Classification: Likely benign for Familial hemophagocytic lymphohistiocytosis 4. Last evaluated: 2026-01-28. Review status: criteria provided, single submitter. Criteria: Invitae Variant Classification Sherloc (09022015). Collection method: clinical testing. Allele origin: germline.

Blueprint Genetics
Classification: Likely benign. Last evaluated: 2024-11-12. Review status: criteria provided, single submitter. Criteria: ACMG Guidelines, 2015. Collection method: clinical testing. Allele origin: germline.

Women's Health and Genetics/Laboratory Corporation of America, LabCorp
Classification: Likely benign. Last evaluated: 2024-05-30. Review status: criteria provided, single submitter. Criteria: LabCorp Variant Classification Summary - May 2015. Collection method: clinical testing. Allele origin: germline.
Comment: Variant summary: STX11 c.83C>T (p.Ser28Leu) results in a non-conservative amino acid change in the encoded protein sequence. Four of five in-silico tools predict a benign effect of the variant on protein function. The variant allele was found at a frequency of 0.00024 in 251312 control chromosomes, predominantly at a frequency of 0.0033 within the African or African-American subpopulation in the gnomAD database. The observed variant frequency within African or African-American control individuals in the gnomAD database is approximately 6 fold of the estimated maximal expected allele frequency for a pathogenic variant in STX11 causing Familial Hemophagocytic Lymphohistiocytosis phenotype (0.0005). To our knowledge, no occurrence of c.83C>T in individuals affected with Familial Hemophagocytic Lymphohistiocytosis and no experimental evidence demonstrating its impact on protein function have been reported. ClinVar contains an entry for this variant (Variation ID: 732962). Based on the evidence outlined above, the variant was classified as likely benign.

PreventionGenetics, part of Exact Sciences
Classification: Likely benign for STX11-related condition. Last evaluated: 2024-03-12. Review status: no assertion criteria provided. Collection method: clinical testing. Allele origin: germline. Not counted in ClinVar's aggregate classification.
Comment: This variant is classified as likely benign based on ACMG/AMP sequence variant interpretation guidelines (Richards et al. 2015 PMID: 25741868, with internal and published modifications).